The following is an entry in ClinVar:

NM_015311.3(OBSL1):c.715G>A (p.Glu239Lys)

Gene: OBSL1 (obscurin like cytoskeletal adaptor 1; minus strand). Cytogenetic location: 2q35.
Variant type: single nucleotide variant.
Coding change: c.715G>A on transcript NM_015311.3 (MANE Select); coding-DNA position 715, G replaced by A.
Protein change: p.Glu239Lys; replaces glutamic acid 239 with lysine.
Molecular consequence: missense variant.
Genome position (GRCh38, 1-based): chr2:219,570,518, C>T on the plus strand (G>A on the coding strand, the complement: OBSL1 is on the minus strand). VCF-style: chr2-219570518-C-T. GRCh37 (hg19) VCF-style: chr2-220435240-C-T.
Other names: c.715G>A, p.Glu239Lys (NM_001173408.2, NM_001173431.2); short protein forms E239K.
Identifiers: ClinVar variation 1480430 (VCV001480430.7), dbSNP rs2106115186, ClinGen allele CA350764207.

ClinVar aggregate classification (germline): Uncertain significance (1 of 4 stars; one submission).

gnomAD v4.1: 18 of 1,609,718 alleles (0.0011%); highest among the groups gnomAD compares: Non-Finnish European, 0.0014%; no homozygotes.

Submission:

Labcorp Genetics (formerly Invitae), Labcorp
Classification: Uncertain significance. Last evaluated: 2022-07-12. Review status: criteria provided, single submitter. Criteria: Invitae Variant Classification Sherloc (09022015). Collection method: clinical testing. Allele origin: germline.
Comment: ClinVar contains an entry for this variant (Variation ID: 1480430). Algorithms developed to predict the effect of missense changes on protein structure and function (SIFT, PolyPhen-2, Align-GVGD) all suggest that this variant is likely to be tolerated. In summary, the available evidence is currently insufficient to determine the role of this variant in disease. Therefore, it has been classified as a Variant of Uncertain Significance. This variant has not been reported in the literature in individuals affected with OBSL1-related conditions. This sequence change replaces glutamic acid, which is acidic and polar, with lysine, which is basic and polar, at codon 239 of the OBSL1 protein (p.Glu239Lys). This variant is not present in population databases (gnomAD no frequency).